The following is an entry in ClinVar:

ClinVar aggregate classification (germline): Uncertain significance (1 of 4 stars; one submission).

Submission:

Ambry Genetics
Classification: Uncertain significance. Last evaluated: 2025-04-20. Review status: criteria provided, single submitter. Criteria: Ambry Variant Classification Scheme 2023. Collection method: clinical testing. Allele origin: germline.
Comment: The p.K172R variant (also known as c.515A>G), located in coding exon 1 of the CDK12 gene, results from an A to G substitution at nucleotide position 515. The lysine at codon 172 is replaced by arginine, an amino acid with highly similar properties. This amino acid position is conserved. In addition, this alteration is predicted to be tolerated by in silico analysis. Based on the available evidence, the clinical significance of this variant remains unclear.

NM_016507.4(CDK12):c.515A>G (p.Lys172Arg)

Genes: CDK12 (cyclin dependent kinase 12; plus strand), LOC126862553 (CDK7 strongly-dependent group 2 enhancer GRCh37_chr17:37618166-37619365; plus strand). Cytogenetic location: 17q12.
Variant type: single nucleotide variant.
Coding change: c.515A>G on transcript NM_016507.4 (MANE Select); coding-DNA position 515, A replaced by G.
Protein change: p.Lys172Arg; replaces lysine 172 with arginine.
Molecular consequence: missense variant.
Genome position (GRCh38, 1-based): chr17:39,462,586, A>G. VCF-style: chr17-39462586-A-G. GRCh37 (hg19) VCF-style: chr17-37618839-A-G.
Other names: c.515A>G, p.Lys172Arg (NM_015083.4); short protein forms K172R.
Identifiers: ClinVar variation 3999387 (VCV003999387.1).